The following is an entry in ClinVar:

NM_213720.3(CHCHD10):c.42-9C>A

Gene: CHCHD10 (coiled-coil-helix-coiled-coil-helix domain containing 10; minus strand). Cytogenetic location: 22q11.23.
Variant type: single nucleotide variant.
Coding change: c.42-9C>A on transcript NM_213720.3 (MANE Select); 9 bases into the intron before coding-DNA position 42, C replaced by A.
Molecular consequence: intron variant.
Genome position (GRCh38, 1-based): chr22:23,767,602, G>T on the plus strand (C>A on the coding strand, the complement: CHCHD10 is on the minus strand). VCF-style: chr22-23767602-G-T. GRCh37 (hg19) VCF-style: chr22-24109789-G-T.
Other names: p.?; c.42-9C>A (NM_001301339.2).
Identifiers: ClinVar variation 540615 (VCV000540615.14), dbSNP rs1392906115, ClinGen allele CA638950414.

ClinVar aggregate classification (germline): Likely benign. Review status: criteria provided, multiple submitters, no conflicts (2 of 4 stars). 4 submissions from 4 submitters: Likely benign (4). Last evaluated 2026-09-01.

Conditions:
Lower motor neuron syndrome with late-adult onset (SMAJ). Also called: Spinal muscular atrophy, Jokela type; Late-Onset Spinal Motor Neuronopathy (SMAJ). Identifiers: Orphanet 276435, MedGen C3554398, MONDO:0014025, OMIM 615048.
Autosomal dominant mitochondrial myopathy with exercise intolerance (IMMD). Also called: Myopathy, isolated mitochondrial, autosomal dominant. Identifiers: Orphanet 457050, MedGen C4015513, MONDO:0014532, OMIM 616209.
Frontotemporal dementia and/or amyotrophic lateral sclerosis 2. Also called: FTDALS2. Identifiers: Orphanet 275872, MedGen C4014648, MONDO:0014395, OMIM 615911.

Allele frequency attached by ClinVar (database versions not stated): gnomAD 0.00009; TOPMed 0.00009.
gnomAD v4.1: 199 of 1,132,378 alleles (0.018%); highest among the groups gnomAD compares: Non-Finnish European, 0.021%; 5 homozygotes.

Submissions (4):

CeGaT Center for Human Genetics Tuebingen
Classification: Likely benign. Last evaluated: 2026-09-01. Review status: criteria provided, single submitter. Criteria: CeGaT Center For Human Genetics Tuebingen Variant Classification Criteria Version 2. Collection method: clinical testing. Allele origin: germline. Affected: yes. Observed: 1 variant allele.
Comment: CHCHD10: BS2

Labcorp Genetics (formerly Invitae), Labcorp
Classification: Likely benign for Lower motor neuron syndrome with late-adult onset; Frontotemporal dementia and/or amyotrophic lateral sclerosis 2; Autosomal dominant mitochondrial myopathy with exercise intolerance. Last evaluated: 2025-10-29. Review status: criteria provided, single submitter. Criteria: Invitae Variant Classification Sherloc (09022015). Collection method: clinical testing. Allele origin: germline.

Mayo Clinic Laboratories, Mayo Clinic
Classification: Likely benign. Last evaluated: 2025-02-11. Review status: criteria provided, single submitter. Criteria: ACMG Guidelines, 2015. Collection method: clinical testing. Allele origin: germline. Observed: 1 variant allele.
Comment: BP4, BP7

Blueprint Genetics
Classification: Likely benign. Last evaluated: 2021-09-07. Review status: criteria provided, single submitter. Criteria: ACMG Guidelines, 2015. Collection method: clinical testing. Allele origin: germline.